The following is an entry in ClinVar:

NM_177438.3(DICER1):c.2826T>A (p.Pro942=)

Gene: DICER1 (dicer 1, ribonuclease III; minus strand). Cytogenetic location: 14q32.13.
Variant type: single nucleotide variant.
Coding change: c.2826T>A on transcript NM_177438.3 (MANE Select); coding-DNA position 2826, T replaced by A.
Protein change: p.Pro942=; no amino-acid change (proline 942 retained).
Molecular consequence: synonymous variant.
Genome position (GRCh38, 1-based): chr14:95,106,202, A>T on the plus strand (T>A on the coding strand, the complement: DICER1 is on the minus strand). VCF-style: chr14-95106202-A-T. GRCh37 (hg19) VCF-style: chr14-95572539-A-T.
Other names: c.2826T>A, p.Pro942= (NM_001195573.1, NM_001271282.3, NM_001291628.2 and 1 more transcripts).
Identifiers: ClinVar variation 483471 (VCV000483471.16), dbSNP rs749159825, ClinGen allele CA7331160.
Genomic context (GRCh38, chr14:95,106,202, plus strand): 5'-GGAAGGAAATTTACTGAGTGGGGTAAGATCAGTGTACACATCAGCTACATAAAATCGATG[A>T]GGCTGATCAAAATTGCGATATCTAAAAAAGAAAAACAAAAAAACAATCAGTTGCTTTTTG-3'
Protein context (NP_803187.1, residues 932-952): IIPRYRNFDQ[Pro942=]HRFYVADVYT

ClinVar aggregate classification (germline): Benign/Likely benign. Review status: criteria provided, multiple submitters, no conflicts (2 of 4 stars). 3 submissions from 3 submitters: Benign (1); Likely benign (2). Last evaluated 2026-04-16.

Conditions:
Hereditary cancer-predisposing syndrome. Also called: Hereditary neoplastic syndrome; Neoplastic Syndromes, Hereditary; Hereditary Cancer Syndrome; Tumor predisposition. Identifiers: Orphanet 140162, MedGen C0027672, MeSH D009386, MONDO:0015356.
DICER1-related tumor predisposition. Also called: DICER1-related pleuropulmonary blastoma cancer predisposition syndrome; DICER1 syndrome. Identifiers: Orphanet 284343, MedGen C3839822, MONDO:0100216.

Allele frequency attached by ClinVar (database versions not stated): gnomAD 0.00002; gnomAD exomes 0.00002; ExAC 0.00004; TOPMed below 0.00001.
gnomAD v4.1: 11 of 1,613,958 alleles (0.00068%); highest among the groups gnomAD compares: Non-Finnish European, 0.00093%; no homozygotes.

Submissions (3):

Myriad Genetics, Inc.
Classification: Benign for DICER1-related tumor predisposition. Last evaluated: 2026-04-16. Review status: criteria provided, single submitter. Criteria: Myriad Autosomal Dominant, Autosomal Recessive and X-Linked Classification Criteria (2023). Collection method: clinical testing. Allele origin: unknown.
Comment: This variant is considered benign. This variant is a silent/synonymous amino acid change and it is not expected to impact splicing.

Labcorp Genetics (formerly Invitae), Labcorp
Classification: Likely benign for DICER1-related tumor predisposition. Last evaluated: 2025-10-21. Review status: criteria provided, single submitter. Criteria: Invitae Variant Classification Sherloc (09022015). Collection method: clinical testing. Allele origin: germline.

Ambry Genetics
Classification: Likely benign for Hereditary cancer-predisposing syndrome. Last evaluated: 2017-09-18. Review status: criteria provided, single submitter. Criteria: Ambry Variant Classification Scheme 2023. Collection method: clinical testing. Allele origin: germline.